The following is an entry in ClinVar:

NM_014795.4(ZEB2):c.1_16del (p.Met1fs)

Gene: ZEB2 (zinc finger E-box binding homeobox 2; minus strand). Cytogenetic location: 2q22.3.
Variant type: Deletion.
Coding change: c.1_16del on transcript NM_014795.4 (MANE Select); coding-DNA positions 1 to 16, 16 bases deleted (ATGAAGCAGCCGATCA).
Protein change: p.Met1fs; shifts the reading frame from methionine 1.
Molecular consequence: frameshift variant, initiator codon variant. On other transcripts: non-coding transcript variant (1).
Genome position (GRCh38, 1-based): chr2:144,517,335-144,517,350, TGATCGGCTGCTTCAT deleted on the plus strand (ATGAAGCAGCCGATCA on the coding strand, the reverse complement: ZEB2 is on the minus strand); deleting any 16 consecutive bases within chr2:144,517,335-144,517,354 gives the same sequence; the c. name uses the placement nearest the transcript's 3' end. VCF-style (leftmost placement, unchanged base first): chr2-144517334-ATGATCGGCTGCTTCAT-A. GRCh37 (hg19) VCF-style: chr2-145274901-ATGATCGGCTGCTTCAT-A.
Other names: c.1_16del, p.Met1fs (NM_001171653.2); short protein forms M1fs.
Identifiers: ClinVar variation 1685218 (VCV001685218.4), dbSNP rs2149935184, ClinGen allele CA2573133287.

ClinVar aggregate classification (germline): Uncertain significance. Review status: criteria provided, multiple submitters, no conflicts (2 of 4 stars). 2 submissions from 2 submitters: Uncertain significance (2). Last evaluated 2026-03-19.

Conditions:
Mowat-Wilson syndrome (MOWS). Also called: Classic Mowat-Wilson Syndrome. Identifiers: Orphanet 2152, MedGen C1856113, MONDO:0009341, OMIM 235730.

Submissions (2):

Dasa
Classification: Uncertain significance for Mowat-Wilson syndrome. Last evaluated: 2026-03-19. Review status: criteria provided, single submitter. Criteria: DASA Assertion Criteria. Collection method: clinical testing. Allele origin: germline.
Comment: NM_014795.4(ZEB2):c.1_16del (p.Met1?) is a start-loss variant predicted to alter the translation initiation codon and impair normal protein translation. This variant is rare in population databases. The currently available literature and clinical evidence are not sufficient to establish a definitive association between this variant and the reported condition. Therefore, this variant is classified as a variant of uncertain significance.

Mendelics
Classification: Uncertain significance. Last evaluated: 2022-05-04. Review status: criteria provided, single submitter. Criteria: Mendelics Assertion Criteria 2019. Collection method: clinical testing. Allele origin: germline.